The following is an entry in ClinVar:

NM_000388.4(CASR):c.2368T>C (p.Phe790Leu)

Gene: CASR (calcium sensing receptor; plus strand). Cytogenetic location: 3q21.1.
Variant type: single nucleotide variant.
Coding change: c.2368T>C on transcript NM_000388.4 (MANE Select); coding-DNA position 2368, T replaced by C.
Protein change: p.Phe790Leu; replaces phenylalanine 790 with leucine.
Molecular consequence: missense variant.
Genome position (GRCh38, 1-based): chr3:122,284,322, T>C. VCF-style: chr3-122284322-T-C. GRCh37 (hg19) VCF-style: chr3-122003169-T-C.
Other names: c.2398T>C, p.Phe800Leu (NM_001178065.2); short protein forms F790L, F800L.
Identifiers: ClinVar variation 2006338 (VCV002006338.4), dbSNP rs2473279734, ClinGen allele CA354159643.

ClinVar aggregate classification (germline): Uncertain significance (1 of 4 stars; one submission).

Conditions:
Autosomal dominant hypocalcemia 1 (HYPOC1). Also called: HYPOCALCEMIA, FAMILIAL. Identifiers: MedGen C3715128, MONDO:0011013, OMIM 601198.
Familial hypocalciuric hypercalcemia (FHH). Also called: Familial benign hypercalcemia. Identifiers: Orphanet 405, MedGen C1809471, MONDO:0018458.

Submission:

Labcorp Genetics (formerly Invitae), Labcorp
Classification: Uncertain significance for Familial hypocalciuric hypercalcemia; Autosomal dominant hypocalcemia 1. Last evaluated: 2022-06-14. Review status: criteria provided, single submitter. Criteria: Invitae Variant Classification Sherloc (09022015). Collection method: clinical testing. Allele origin: germline.
Comment: This variant disrupts the p.Phe790 amino acid residue in CASR. Other variant(s) that disrupt this residue have been determined to be pathogenic (PMID: 21185797; Invitae). This suggests that this residue is clinically significant, and that variants that disrupt this residue are likely to be disease-causing. In summary, the available evidence is currently insufficient to determine the role of this variant in disease. Therefore, it has been classified as a Variant of Uncertain Significance. Algorithms developed to predict the effect of missense changes on protein structure and function are either unavailable or do not agree on the potential impact of this missense change (SIFT: "Deleterious"; PolyPhen-2: "Probably Damaging"; Align-GVGD: "Class C15"). This variant has not been reported in the literature in individuals affected with CASR-related conditions. This variant is not present in population databases (gnomAD no frequency). This sequence change replaces phenylalanine, which is neutral and non-polar, with leucine, which is neutral and non-polar, at codon 790 of the CASR protein (p.Phe790Leu).

Literature cited by the submitters: PubMed 21185797.